The following is an entry in ClinVar:

ClinVar aggregate classification (germline): Likely benign (1 of 4 stars; one submission).

gnomAD v4.1: 4,791 of 147,430 alleles (3.2%); highest among the groups gnomAD compares: Non-Finnish European, 5.2%; 98 homozygotes.

Submission:

GeneDx
Classification: Likely benign. Last evaluated: 2019-10-07. Review status: criteria provided, single submitter. Criteria: GeneDx Variant Classification Process June 2021. Collection method: clinical testing. Allele origin: germline. Affected: yes.
Comment: See Variant Classification Assertion Criteria.

NM_001193313.2(SUGCT):c.484+167T>C

Gene: SUGCT (succinyl-CoA:glutarate-CoA transferase; plus strand). Cytogenetic location: 7p14.1.
Variant type: single nucleotide variant.
Coding change: c.484+167T>C on transcript NM_001193313.2 (MANE Select); 167 bases into the intron after coding-DNA position 484, T replaced by C.
Molecular consequence: intron variant.
Genome position (GRCh38, 1-based): chr7:40,195,227, T>C. VCF-style: chr7-40195227-T-C. GRCh37 (hg19) VCF-style: chr7-40234826-T-C.
Other names: c.484+167T>C (NM_001193311.2, NM_001193312.2); c.373+167T>C (NM_024728.3).
Identifiers: ClinVar variation 4795399 (VCV004795399.1).